The following is an entry in ClinVar:

ClinVar aggregate classification (germline): Likely benign. Review status: criteria provided, multiple submitters, no conflicts (2 of 4 stars). 2 submissions from 2 submitters: Likely benign (2). Last evaluated 2025-02-12.

Conditions:
Congenital muscular hypertrophy-cerebral syndrome (CDLS2). Also called: Cornelia de Lange syndrome 2; SMC1A-Related Cornelia de Lange Syndrome. Identifiers: Orphanet 199, MedGen C1802395, MONDO:0010370, OMIM 300590.

Allele frequency attached by ClinVar (database versions not stated): gnomAD exomes below 0.00001; TOPMed 0.00001.
gnomAD v4.1: 3 of 1,212,046 alleles (0.00025%); highest among the groups gnomAD compares: Admixed American, 0.0022%; no homozygotes.

Submissions (2):

Labcorp Genetics (formerly Invitae), Labcorp
Classification: Likely benign for Congenital muscular hypertrophy-cerebral syndrome. Last evaluated: 2025-02-12. Review status: criteria provided, single submitter. Criteria: Invitae Variant Classification Sherloc (09022015). Collection method: clinical testing. Allele origin: germline.

CeGaT Center for Human Genetics Tuebingen
Classification: Likely benign. Last evaluated: 2023-03-01. Review status: criteria provided, single submitter. Criteria: CeGaT Center For Human Genetics Tuebingen Variant Classification Criteria Version 2. Collection method: clinical testing. Allele origin: germline. Affected: yes. Observed: 1 variant allele.
Comment: SMC1A: PM2:Supporting, BP4, BP7

NM_006306.4(SMC1A):c.2049G>A (p.Glu683=)

Gene: SMC1A (structural maintenance of chromosomes 1A; minus strand). Cytogenetic location: Xp11.22.
Variant type: single nucleotide variant.
Coding change: c.2049G>A on transcript NM_006306.4 (MANE Select); coding-DNA position 2049, G replaced by A.
Protein change: p.Glu683=; no amino-acid change (glutamic acid 683 retained).
Molecular consequence: synonymous variant.
Genome position (GRCh38, 1-based): chrX:53,405,254, C>T on the plus strand (G>A on the coding strand, the complement: SMC1A is on the minus strand). VCF-style: chrX-53405254-C-T. GRCh37 (hg19) VCF-style: chrX-53432186-C-T.
Other names: c.1983G>A, p.Glu661= (NM_001281463.1).
Identifiers: ClinVar variation 2660609 (VCV002660609.26), dbSNP rs1449231560, ClinGen allele CA516688064.